The following is an entry in ClinVar:

ClinVar aggregate classification (germline): Uncertain significance. Review status: criteria provided, multiple submitters, no conflicts (2 of 4 stars). 2 submissions from 2 submitters: Uncertain significance (2). Last evaluated 2025-10-02.

Conditions:
Cardiovascular phenotype. Identifiers: MedGen CN230736.
Alstrom syndrome (ALMS). Identifiers: Orphanet 64, MedGen C0268425, MONDO:0008763, OMIM 203800.

Allele frequency attached by ClinVar (database versions not stated): gnomAD 0.00002; TOPMed 0.00002; gnomAD exomes 0.00012.
gnomAD v4.1: 180 of 1,614,014 alleles (0.011%); highest among the groups gnomAD compares: Non-Finnish European, 0.015%; no homozygotes.

Submissions (2):

Ambry Genetics
Classification: Uncertain significance for Cardiovascular phenotype. Last evaluated: 2025-10-02. Review status: criteria provided, single submitter. Criteria: Ambry Variant Classification Scheme 2023. Collection method: clinical testing. Allele origin: germline.
Comment: The p.I3221T variant (also known as c.9662T>C), located in coding exon 11 of the ALMS1 gene, results from a T to C substitution at nucleotide position 9662. The isoleucine at codon 3221 is replaced by threonine, an amino acid with similar properties. This amino acid position is well conserved in available vertebrate species. In addition, this alteration is predicted to be deleterious by in silico analysis. Since supporting evidence is limited at this time, the clinical significance of this alteration remains unclear.

Labcorp Genetics (formerly Invitae), Labcorp
Classification: Uncertain significance for Alstrom syndrome. Last evaluated: 2022-06-12. Review status: criteria provided, single submitter. Criteria: Invitae Variant Classification Sherloc (09022015). Collection method: clinical testing. Allele origin: germline.
Comment: This sequence change replaces isoleucine, which is neutral and non-polar, with threonine, which is neutral and polar, at codon 3221 of the ALMS1 protein (p.Ile3221Thr). This variant is present in population databases (rs760991535, gnomAD 0.0009%). This variant has not been reported in the literature in individuals affected with ALMS1-related conditions. Experimental studies and prediction algorithms are not available or were not evaluated, and the functional significance of this variant is currently unknown. In summary, the available evidence is currently insufficient to determine the role of this variant in disease. Therefore, it has been classified as a Variant of Uncertain Significance.

NM_001378454.1(ALMS1):c.9659T>C (p.Ile3220Thr)

Gene: ALMS1 (ALMS1 centrosome and basal body associated protein; plus strand). Cytogenetic location: 2p13.1.
Variant type: single nucleotide variant.
Coding change: c.9659T>C on transcript NM_001378454.1 (MANE Select); coding-DNA position 9659, T replaced by C.
Protein change: p.Ile3220Thr; replaces isoleucine 3220 with threonine.
Molecular consequence: missense variant.
Genome position (GRCh38, 1-based): chr2:73,519,894, T>C. VCF-style: chr2-73519894-T-C. GRCh37 (hg19) VCF-style: chr2-73747021-T-C.
Other names: c.9662T>C, p.Ile3221Thr (NM_015120.4); short protein forms I3220T, I3221T.
Identifiers: ClinVar variation 1767707 (VCV001767707.5), dbSNP rs760991535, ClinGen allele CA50397854.